The following is an entry in ClinVar:

ClinVar aggregate classification (germline): Likely benign. Review status: criteria provided, multiple submitters, no conflicts (2 of 4 stars). 2 submissions from 2 submitters: Likely benign (2). Last evaluated 2024-11-20.

Conditions:
EP300-related disorder. Also called: EP300-related disorders; EP300-related condition.
Rubinstein-Taybi syndrome due to EP300 haploinsufficiency. Also called: EP300-Related Rubinstein-Taybi Syndrome; RUBINSTEIN-TAYBI SYNDROME 2. Identifiers: Orphanet 353284, Orphanet 783, MedGen C3150941, MONDO:0013364, OMIM 613684.

Allele frequency attached by ClinVar (database versions not stated): TOPMed below 0.00001; gnomAD 0.00001; gnomAD exomes 0.00001.
gnomAD v4.1: 10 of 1,610,334 alleles (0.00062%); highest among the groups gnomAD compares: African/African-American, 0.0027%; no homozygotes.

Submissions (2):

PreventionGenetics, part of Exact Sciences
Classification: Likely benign for EP300-related condition. Last evaluated: 2024-11-20. Review status: criteria provided, single submitter. Criteria: ACMG Guidelines, 2015. Collection method: clinical testing. Allele origin: germline.
Comment: This variant is classified as likely benign based on ACMG/AMP sequence variant interpretation guidelines (Richards et al. 2015 PMID: 25741868, with internal and published modifications).

Labcorp Genetics (formerly Invitae), Labcorp
Classification: Likely benign for Rubinstein-Taybi syndrome due to EP300 haploinsufficiency. Last evaluated: 2023-10-23. Review status: criteria provided, single submitter. Criteria: Invitae Variant Classification Sherloc (09022015). Collection method: clinical testing. Allele origin: germline.

NM_001429.4(EP300):c.4617+10T>C

Gene: EP300 (EP300 lysine acetyltransferase; plus strand). Cytogenetic location: 22q13.2.
Variant type: single nucleotide variant.
Coding change: c.4617+10T>C on transcript NM_001429.4 (MANE Select); 10 bases into the intron after coding-DNA position 4617, T replaced by C.
Molecular consequence: intron variant.
Genome position (GRCh38, 1-based): chr22:41,172,673, T>C. VCF-style: chr22-41172673-T-C. GRCh37 (hg19) VCF-style: chr22-41568677-T-C.
Other names: c.4617+10T>C (NM_001429.3); c.4539+10T>C (NM_001362843.2).
Identifiers: ClinVar variation 2849748 (VCV002849748.4), dbSNP rs1415742351, ClinGen allele CA753237823.